The following is an entry in ClinVar:

NM_000052.7(ATP7A):c.2406+6G>A

Gene: ATP7A (ATPase copper transporting alpha; plus strand). Cytogenetic location: Xq21.1.
Variant type: single nucleotide variant.
Coding change: c.2406+6G>A on transcript NM_000052.7 (MANE Select); 6 bases into the intron after coding-DNA position 2406, G replaced by A.
Molecular consequence: intron variant.
Genome position (GRCh38, 1-based): chrX:78,013,118, G>A. VCF-style: chrX-78013118-G-A. GRCh37 (hg19) VCF-style: chrX-77268615-G-A.
Other names: c.2172+1444G>A (NM_001282224.2).
Identifiers: ClinVar variation 934770 (VCV000934770.10), dbSNP rs782307719, ClinGen allele CA331097654.

ClinVar aggregate classification (germline): Uncertain significance. Review status: criteria provided, single submitter (1 of 4 stars). 2 submissions from 2 submitters: Uncertain significance (1). 1 of the submissions does not count toward it. Last evaluated 2024-03-15.

Conditions:
Menkes kinky-hair syndrome (MNK). Also called: Copper transport disease; Classic Menkes Disease; Menkes Disease. Identifiers: Orphanet 565, MedGen C0022716, MONDO:0010651, OMIM 309400.
X-linked distal spinal muscular atrophy type 3. Also called: SPINAL MUSCULAR ATROPHY, DISTAL, X-LINKED RECESSIVE; ATP7A-Related Distal Motor Neuropathy; NEURONOPATHY, DISTAL HEREDITARY MOTOR, X-LINKED; NEUROPATHY, DISTAL HEREDITARY MOTOR, X-LINKED. Identifiers: Orphanet 139557, MedGen C1845359, MONDO:0010338, OMIM 300489.
Cutis laxa, X-linked (OHS). Also called: EDS IX; Occipital horn syndrome. Identifiers: Orphanet 198, MedGen C0268353, MONDO:0010572, OMIM 304150.

Allele frequency attached by ClinVar (database versions not stated): gnomAD 0.00001; TOPMed 0.00001; gnomAD exomes 0.00004.
gnomAD v4.1: 38 of 1,185,367 alleles (0.0032%); highest among the groups gnomAD compares: Non-Finnish European, 0.0044%; no homozygotes.

Submissions (2):

Labcorp Genetics (formerly Invitae), Labcorp
Classification: Uncertain significance for X-linked distal spinal muscular atrophy type 3; Cutis laxa, X-linked; Menkes kinky-hair syndrome. Last evaluated: 2024-03-15. Review status: criteria provided, single submitter. Criteria: Invitae Variant Classification Sherloc (09022015). Collection method: clinical testing. Allele origin: germline.
Comment: This sequence change falls in intron 10 of the ATP7A gene. It does not directly change the encoded amino acid sequence of the ATP7A protein. It affects a nucleotide within the consensus splice site. This variant is not present in population databases (gnomAD no frequency). This variant has not been reported in the literature in individuals affected with ATP7A-related conditions. ClinVar contains an entry for this variant (Variation ID: 934770). Variants that disrupt the consensus splice site are a relatively common cause of aberrant splicing (PMID: 17576681, 9536098). Algorithms developed to predict the effect of sequence changes on RNA splicing suggest that this variant is not likely to affect RNA splicing. In summary, the available evidence is currently insufficient to determine the role of this variant in disease. Therefore, it has been classified as a Variant of Uncertain Significance.

Natera, Inc.
Classification: Uncertain significance for Menkes kinky hair syndrome. Last evaluated: 2021-06-14. Review status: no assertion criteria provided. Collection method: clinical testing. Allele origin: germline. Not counted in ClinVar's aggregate classification.

Literature cited by the submitters: PubMed 17576681 (cited by Labcorp Genetics (formerly Invitae), Labcorp); PubMed 9536098 (cited by Labcorp Genetics (formerly Invitae), Labcorp).